The following is an entry in ClinVar:

NM_002180.3(IGHMBP2):c.643C>A (p.Pro215Thr)

Gene: IGHMBP2 (immunoglobulin mu DNA binding protein 2; plus strand). Cytogenetic location: 11q13.3.
Variant type: single nucleotide variant.
Coding change: c.643C>A on transcript NM_002180.3 (MANE Select); coding-DNA position 643, C replaced by A.
Protein change: p.Pro215Thr; replaces proline 215 with threonine.
Molecular consequence: missense variant.
Genome position (GRCh38, 1-based): chr11:68,911,535, C>A. VCF-style: chr11-68911535-C-A. GRCh37 (hg19) VCF-style: chr11-68679003-C-A.
Other names: short protein forms P215T.
Identifiers: ClinVar variation 5018611 (VCV005018611.2).
Genomic context (GRCh38, chr11:68,911,535, plus strand): 5'-TCCCAGAAAGAAGCGGTTTTATTTGCGCTGTCTCAGAAAGAACTTGCCATCATCCATGGA[C>A]CTCCTGGCACTGGGAAAACCACGACTGTGGTTGAGATCATTCTTCAAGCTGTGAAACAAG-3'
Protein context (NP_002171.2, residues 205-225): SQKELAIIHG[Pro215Thr]PGTGKTTTVV

ClinVar aggregate classification (germline): Uncertain significance (1 of 4 stars; one submission).

Conditions:
Autosomal recessive distal spinal muscular atrophy 1. Also called: HMN VI; NEURONOPATHY, SEVERE INFANTILE AXONAL, WITH RESPIRATORY FAILURE; SEVERE INFANTILE AXONAL NEUROPATHY WITH RESPIRATORY FAILURE; SPINAL MUSCULAR ATROPHY, DIAPHRAGMATIC; NEURONOPATHY, DISTAL HEREDITARY MOTOR, HARDING TYPE VI; NEUROPATHY, DISTAL HEREDITARY MOTOR, AUTOSOMAL RECESSIVE 1. Identifiers: Orphanet 98920, MedGen C1858517, MONDO:0011436, OMIM 604320.
Charcot-Marie-Tooth disease axonal type 2S. Also called: CHARCOT-MARIE-TOOTH NEUROPATHY, TYPE 2S; CHARCOT-MARIE-TOOTH DISEASE, AXONAL, AUTOSOMAL RECESSIVE, TYPE 2S. Identifiers: Orphanet 443073, MedGen C4015349, MONDO:0014511, OMIM 616155.

Submission:

Juno Genomics, Hangzhou Juno Genomics, Inc
Classification: Uncertain significance for Autosomal recessive distal spinal muscular atrophy 1; Charcot-Marie-Tooth disease axonal type 2S. Review status: criteria provided, single submitter. Criteria: ACMG Guidelines, 2015. Collection method: clinical testing. Allele origin: germline.
Comment: Absent from controls (or at extremely low frequency if recessive) in Genome Aggregation Database.;Multiple lines of computational evidence support a deleterious effect on the gene or gene product.